The following is an entry in ClinVar:

ClinVar aggregate classification (germline): Likely pathogenic (1 of 4 stars; one submission).

Submission:

GeneDx
Classification: Likely pathogenic. Last evaluated: 2021-03-31. Review status: criteria provided, single submitter. Criteria: GeneDx Variant Classification Process June 2021. Collection method: clinical testing. Allele origin: germline. Affected: yes.
Comment: Not observed in large population cohorts (Lek et al., 2016); In silico analysis supports that this missense variant has a deleterious effect on protein structure/function; Has not been previously published as pathogenic or benign to our knowledge

NM_181486.4(TBX5):c.676A>G (p.Lys226Glu)

Gene: TBX5 (T-box transcription factor 5; minus strand). Cytogenetic location: 12q24.21.
Variant type: single nucleotide variant.
Coding change: c.676A>G on transcript NM_181486.4 (MANE Select); coding-DNA position 676, A replaced by G.
Protein change: p.Lys226Glu; replaces lysine 226 with glutamic acid.
Molecular consequence: missense variant.
Genome position (GRCh38, 1-based): chr12:114,385,555, T>C on the plus strand (A>G on the coding strand, the complement: TBX5 is on the minus strand). VCF-style: chr12-114385555-T-C. GRCh37 (hg19) VCF-style: chr12-114823360-T-C.
Other names: c.676A>G, p.Lys226Glu (NM_000192.3); c.526A>G, p.Lys176Glu (NM_080717.4); short protein forms K226E, K176E.
Identifiers: ClinVar variation 430377 (VCV000430377.2), dbSNP rs1131691932, ClinGen allele CA386859828.